The following is an entry in ClinVar:

ClinVar aggregate classification (germline): Likely benign (1 of 4 stars; one submission).

Submission:

CeGaT Center for Human Genetics Tuebingen
Classification: Likely benign. Last evaluated: 2025-11-01. Review status: criteria provided, single submitter. Criteria: CeGaT Center For Human Genetics Tuebingen Variant Classification Criteria Version 2. Collection method: clinical testing. Allele origin: germline. Affected: yes. Observed: 1 variant allele.
Comment: PDGFRB: PM2:Supporting, BP4, BP7

NM_002609.4(PDGFRB):c.3138C>T (p.Ser1046=)

Gene: PDGFRB (platelet derived growth factor receptor beta; minus strand). Cytogenetic location: 5q32.
Variant type: single nucleotide variant.
Coding change: c.3138C>T on transcript NM_002609.4 (MANE Select); coding-DNA position 3138, C replaced by T.
Protein change: p.Ser1046=; no amino-acid change (serine 1046 retained).
Molecular consequence: synonymous variant.
Genome position (GRCh38, 1-based): chr5:150,115,946, G>A on the plus strand (C>T on the coding strand, the complement: PDGFRB is on the minus strand). VCF-style: chr5-150115946-G-A. GRCh37 (hg19) VCF-style: chr5-149495509-G-A.
Other names: c.2946C>T, p.Ser982= (NM_001355016.2); c.2655C>T, p.Ser885= (NM_001355017.2).
Identifiers: ClinVar variation 4533539 (VCV004533539.6).